The following is an entry in ClinVar:

NM_001244008.2(KIF1A):c.4008-3C>A

Gene: KIF1A (kinesin family member 1A; minus strand). Cytogenetic location: 2q37.3.
Variant type: single nucleotide variant.
Coding change: c.4008-3C>A on transcript NM_001244008.2 (MANE Select); 3 bases into the intron before coding-DNA position 4008, C replaced by A.
Molecular consequence: intron variant.
Genome position (GRCh38, 1-based): chr2:240,726,943, G>T on the plus strand (C>A on the coding strand, the complement: KIF1A is on the minus strand). VCF-style: chr2-240726943-G-T. GRCh37 (hg19) VCF-style: chr2-241666360-G-T.
Other names: c.3705-3C>A (NM_001379653.1, NM_001379650.1, NM_001379641.1 and 2 more transcripts); c.3981-3C>A (NM_001379645.1, NM_001379633.1); c.3831-3C>A (NM_001379635.1, NM_001379646.1); c.3702-3C>A (NM_001379640.1); c.3729-3C>A (NM_001379639.1); c.3732-3C>A (NM_001379649.1, NM_001320705.2); c.3819-3C>A (NM_001379636.1); c.3984-3C>A (NM_001379632.1); and 7 more.
Identifiers: ClinVar variation 1704805 (VCV001704805.9), dbSNP rs879129733, ClinGen allele CA68141229.

ClinVar aggregate classification (germline): Uncertain significance. Review status: criteria provided, multiple submitters, no conflicts (2 of 4 stars). 2 submissions from 2 submitters: Uncertain significance (2). Last evaluated 2024-05-08.

Conditions:
Hereditary spastic paraplegia 30. Identifiers: Orphanet 101010, MedGen C5235139, MONDO:0012476.
Neuropathy, hereditary sensory, type 2C. Also called: Hereditary sensory and autonomic neuropathy type IIC; KIF1A-Related HSAN2 (HSAN2C). Identifiers: Orphanet 970, MedGen C3280168, MONDO:0013634, OMIM 614213.
Intellectual disability, autosomal dominant 9 (NESCAVS). Also called: NESCAV SYNDROME; KIF1A-Related Neurodevelopmental Disorder. Identifiers: Orphanet 662367, MedGen C5393830, MONDO:0013656, OMIM 614255.

gnomAD v4.1: 10 of 1,577,324 alleles (0.00063%); highest among the groups gnomAD compares: Middle Eastern, 0.017%; no homozygotes.

Submissions (2):

Labcorp Genetics (formerly Invitae), Labcorp
Classification: Uncertain significance for Hereditary spastic paraplegia 30; Neuropathy, hereditary sensory, type 2C; Intellectual disability, autosomal dominant 9. Last evaluated: 2024-05-08. Review status: criteria provided, single submitter. Criteria: Invitae Variant Classification Sherloc (09022015). Collection method: clinical testing. Allele origin: germline.
Comment: This sequence change falls in intron 35 of the KIF1A gene. It does not directly change the encoded amino acid sequence of the KIF1A protein. It affects a nucleotide within the consensus splice site. The frequency data for this variant in the population databases is considered unreliable, as metrics indicate poor data quality at this position in the gnomAD database. This variant has been observed in individual(s) with clinical features of KIF1A-related conditions (PMID: 31069529). ClinVar contains an entry for this variant (Variation ID: 1704805). Variants that disrupt the consensus splice site are a relatively common cause of aberrant splicing (PMID: 17576681, 9536098). Algorithms developed to predict the effect of sequence changes on RNA splicing suggest that this variant may disrupt the consensus splice site. In summary, the available evidence is currently insufficient to determine the role of this variant in disease. Therefore, it has been classified as a Variant of Uncertain Significance.

GeneDx
Classification: Uncertain significance. Last evaluated: 2023-08-21. Review status: criteria provided, single submitter. Criteria: GeneDx Variant Classification Process June 2021. Collection method: clinical testing. Allele origin: germline. Affected: yes.
Comment: In silico analysis supports a deleterious effect on splicing; Previously reported as a variant of uncertain significance in an individual with a neurodevelopmental phenotype; however additional clinical details and segregation information were not provided (Ganapathy et al., 2019); This variant is associated with the following publications: (PMID: 31069529)

Literature cited by the submitters: PubMed 31069529 (cited by Labcorp Genetics (formerly Invitae), Labcorp); PubMed 17576681 (cited by Labcorp Genetics (formerly Invitae), Labcorp); PubMed 9536098 (cited by Labcorp Genetics (formerly Invitae), Labcorp).